The following is an entry in ClinVar:

NM_001754.5(RUNX1):c.*2201T>G

Gene: RUNX1 (RUNX family transcription factor 1; minus strand). Cytogenetic location: 21q22.12.
Variant type: single nucleotide variant.
Coding change: c.*2201T>G on transcript NM_001754.5 (MANE Select); 2201 bases downstream of the stop codon, T replaced by G.
Molecular consequence: 3 prime UTR variant.
Genome position (GRCh38, 1-based): chr21:34,789,934, A>C on the plus strand (T>G on the coding strand, the complement: RUNX1 is on the minus strand). VCF-style: chr21-34789934-A-C. GRCh37 (hg19) VCF-style: chr21-36162231-A-C.
Other names: c.*2201T>G (NM_001001890.3).
Identifiers: ClinVar variation 897627 (VCV000897627.5), dbSNP rs902401401, ClinGen allele CA320249723.

ClinVar aggregate classification (germline): Likely benign. Review status: reviewed by expert panel (3 of 4 stars). 2 submissions from 2 submitters: Likely benign (1). 1 of the submissions does not count toward it. Last evaluated 2022-07-05.

Conditions:
Hereditary thrombocytopenia and hematologic cancer predisposition syndrome. Identifiers: Orphanet 71290, MedGen CN281654, MONDO:0011071.
Hereditary thrombocytopenia and hematological cancer predisposition syndrome associated with RUNX1. Also called: PLATELET DISORDER, ASPIRIN-LIKE; RUNX1 Familial Platelet Disorder with Associated Myeloid Malignancies; Familial Platelet Disorder with Propensity to Acute Myelogenous Leukemia; Familial thrombocytopenia with propensity to acute myelogenous leukemia. Identifiers: Orphanet 71290, MedGen C1832388, MeSH C563324, MONDO:0100083, OMIM 601399.

Allele frequency attached by ClinVar (database versions not stated): TOPMed 0.00014.
gnomAD v4.1: 52 of 228,246 alleles (0.023%); highest among the groups gnomAD compares: Non-Finnish European, 0.039%; no homozygotes.

Submissions (2):

ClinGen Myeloid Malignancy Variant Curation Expert Panel
Classification: Likely benign for Hereditary thrombocytopenia and hematologic cancer predisposition syndrome. Last evaluated: 2022-07-05. Review status: reviewed by expert panel. Criteria: ClinGen MyeloMalig ACMG Specifications v2. Collection method: curation. Allele origin: germline. Inheritance: Autosomal dominant inheritance.
Comment: NM_001754.5(RUNX1):c.*2201T>G is a 3’UTR variant. This variant has a MAF of 0.0008115 (0.08115%, 12/14788 alleles) in the European (non-Finnish) subpopulation of the gnomAD v2 cohort is between 0.00015 (0.015%) and 0.0015 (0.15%) (BS1). In summary, this variant meets criteria to be classified as likely benign. ACMG/AMP criteria applied, as specified by the Myeloid Malignancy Variant Curation Expert Panel for RUNX1: BS1

Illumina Laboratory Services, Illumina
Classification: Uncertain significance for Hereditary thrombocytopenia and hematological cancer predisposition syndrome associated with RUNX1. Last evaluated: 2018-01-12. Review status: criteria provided, single submitter. Criteria: ICSL Variant Classification Criteria 13 December 2019. Collection method: clinical testing. Allele origin: germline. Not counted in ClinVar's aggregate classification.